The following is an entry in ClinVar:

NM_001378609.3(OTOGL):c.3450G>C (p.Val1150=)

Gene: OTOGL (otogelin like; plus strand). Cytogenetic location: 12q21.31.
Variant type: single nucleotide variant.
Coding change: c.3450G>C on transcript NM_001378609.3 (MANE Select); coding-DNA position 3450, G replaced by C.
Protein change: p.Val1150=; no amino-acid change (valine 1150 retained).
Molecular consequence: synonymous variant.
Genome position (GRCh38, 1-based): chr12:80,310,727, G>C. VCF-style: chr12-80310727-G-C. GRCh37 (hg19) VCF-style: chr12-80704507-G-C.
Other names: c.3315G>C, p.Val1105= (NM_001368062.3); c.3450G>C, p.Val1150= (NM_001378610.3, NM_173591.7).
Identifiers: ClinVar variation 3899490 (VCV003899490.2).

ClinVar aggregate classification (germline): Conflicting classifications of pathogenicity. Review status: criteria provided, conflicting classifications (1 of 4 stars). 2 submissions from 2 submitters: Likely pathogenic (1); Uncertain significance (1). Last evaluated 2024-11-27.

gnomAD v4.1: 13 of 1,543,346 alleles (0.00084%); highest among the groups gnomAD compares: Non-Finnish European, 0.0012%; no homozygotes.

Submissions (2):

Blueprint Genetics
Classification: Uncertain significance. Last evaluated: 2024-11-27. Review status: criteria provided, single submitter. Criteria: ACMG Guidelines, 2015. Collection method: clinical testing. Allele origin: germline.

GeneDx
Classification: Likely pathogenic. Last evaluated: 2024-11-14. Review status: criteria provided, single submitter. Criteria: GeneDx Variant Classification Process June 2021. Collection method: clinical testing. Allele origin: germline. Affected: yes.
Comment: Alters the last nucleotide of the exon and is predicted to destroy the splice donor site but the effect on protein function is unclear; Not observed at significant frequency in large population cohorts (gnomAD); Has not been previously published as pathogenic or benign to our knowledge